The following is an entry in ClinVar:

ClinVar aggregate classification (germline): Uncertain significance (1 of 4 stars; one submission).

Conditions:
3-methylglutaconic aciduria, type VIIB (MGCA7B). Also called: 3-methylglutaconic aciduria with cataracts, neurologic involvement and neutropenia; CLPB Deficiency; 3-methylglutaconic aciduria, type VII, with cataracts, neurologic involvement and neutropenia. Identifiers: Orphanet 445038, MedGen C5676893, MONDO:0014561, OMIM 616271.

gnomAD v4.1: 6 of 1,613,100 alleles (0.00037%); highest among the groups gnomAD compares: Admixed American, 0.005%; no homozygotes.

Submission:

Labcorp Genetics (formerly Invitae), Labcorp
Classification: Uncertain significance for 3-methylglutaconic aciduria, type VIIB. Last evaluated: 2024-05-29. Review status: criteria provided, single submitter. Criteria: Invitae Variant Classification Sherloc (09022015). Collection method: clinical testing. Allele origin: germline.
Comment: This sequence change replaces arginine, which is basic and polar, with serine, which is neutral and polar, at codon 143 of the CLPB protein (p.Arg143Ser). The frequency data for this variant in the population databases is considered unreliable, as metrics indicate poor data quality at this position in the gnomAD database. This variant has not been reported in the literature in individuals affected with CLPB-related conditions. ClinVar contains an entry for this variant (Variation ID: 2145627). An algorithm developed to predict the effect of missense changes on protein structure and function (PolyPhen-2) suggests that this variant is likely to be tolerated. In summary, the available evidence is currently insufficient to determine the role of this variant in disease. Therefore, it has been classified as a Variant of Uncertain Significance.

NM_001258392.3(CLPB):c.427C>A (p.Arg143Ser)

Gene: CLPB (ClpB family mitochondrial disaggregase; minus strand). Cytogenetic location: 11q13.4.
Variant type: single nucleotide variant.
Coding change: c.427C>A on transcript NM_001258392.3 (MANE Select); coding-DNA position 427, C replaced by A.
Protein change: p.Arg143Ser; replaces arginine 143 with serine.
Molecular consequence: missense variant.
Genome position (GRCh38, 1-based): chr11:72,430,340, G>T on the plus strand (C>A on the coding strand, the complement: CLPB is on the minus strand). VCF-style: chr11-72430340-G-T. GRCh37 (hg19) VCF-style: chr11-72141384-G-T.
Other names: c.427C>A, p.Arg143Ser (NM_001258393.3, NM_030813.6); c.185C>A, p.Pro62Gln (NM_001258394.3); short protein forms R143S, P62Q.
Identifiers: ClinVar variation 2145627 (VCV002145627.4), dbSNP rs777497295, ClinGen allele CA381962666.
Genomic context (GRCh38, chr11:72,430,340, plus strand): 5'-TAGGGGAGAGCAAGGCCTGGGGTTCAACTCACCTGCTGACTTCTTGCATATTGTTGGCAC[G>T]GGCAGCTTCCAACAGGGCTGCATCTGAAGAGAAAGGGGGCACTGGTCAGATCCGCGGCCA-3'
Protein context (NP_001245321.1, residues 133-153): NKDAALLEAA[Arg143Ser]ANNMQEVSRL